The following is an entry in ClinVar:

ClinVar aggregate classification (germline): Uncertain significance (1 of 4 stars; one submission).

Conditions:
Hereditary cancer-predisposing syndrome. Also called: Hereditary Cancer Syndrome; Neoplastic Syndromes, Hereditary; Tumor predisposition; Hereditary neoplastic syndrome. Identifiers: Orphanet 140162, MedGen C0027672, MeSH D009386, MONDO:0015356.

Submission:

Ambry Genetics
Classification: Uncertain significance for Hereditary cancer-predisposing syndrome. Last evaluated: 2026-09-14. Review status: criteria provided, single submitter. Criteria: Ambry Variant Classification Scheme 2023. Collection method: clinical testing. Allele origin: germline.
Comment: The p.N1477Y variant (also known as c.4429A>T), located in coding exon 29 of the ALK gene, results from an A to T substitution at nucleotide position 4429. The asparagine at codon 1477 is replaced by tyrosine, an amino acid with dissimilar properties. This amino acid position is conserved. In addition, this alteration is predicted to be deleterious by in silico analysis. Based on the available evidence, the clinical significance of this variant remains unclear.

NM_004304.5(ALK):c.4429A>T (p.Asn1477Tyr)

Gene: ALK (ALK receptor tyrosine kinase; minus strand). Cytogenetic location: 2p23.2.
Variant type: single nucleotide variant.
Coding change: c.4429A>T on transcript NM_004304.5 (MANE Select); coding-DNA position 4429, A replaced by T.
Protein change: p.Asn1477Tyr; replaces asparagine 1477 with tyrosine.
Molecular consequence: missense variant.
Genome position (GRCh38, 1-based): chr2:29,193,658, T>A on the plus strand (A>T on the coding strand, the complement: ALK is on the minus strand). VCF-style: chr2-29193658-T-A. GRCh37 (hg19) VCF-style: chr2-29416524-T-A.
Other names: c.1225A>T, p.Asn409Tyr (NM_001353765.2); short protein forms N1477Y, N409Y.
Identifiers: ClinVar variation 5035721 (VCV005035721.1).